The following is an entry in ClinVar:

ClinVar aggregate classification (germline): Uncertain significance. Review status: criteria provided, multiple submitters, no conflicts (2 of 4 stars). 2 submissions from 2 submitters: Uncertain significance (2). Last evaluated 2025-05-29.

Conditions:
Amyotrophic lateral sclerosis type 4 (ALS4). Also called: AMYOTROPHIC LATERAL SCLEROSIS 4, JUVENILE; NEURONOPATHY, DISTAL HEREDITARY MOTOR, WITH PYRAMIDAL FEATURES. Identifiers: Orphanet 357043, MedGen C1865409, MONDO:0011223, OMIM 602433.
Spinocerebellar ataxia, autosomal recessive, with axonal neuropathy 2 (SCAN2). Also called: Ataxia with Oculomotor Apraxia Type 2; ATAXIA-OCULOMOTOR APRAXIA 2; Ataxia-ocular apraxia-2; Ataxia with Oculomotor Apraxia. Identifiers: Orphanet 64753, MedGen C1853761, MONDO:0018996, OMIM 606002.
SETX-related disorder. Also called: SETX-related condition; SETX-related disorders. Identifiers: MedGen CN239403.

Submissions (2):

PreventionGenetics, part of Exact Sciences
Classification: Uncertain significance for SETX-related condition. Last evaluated: 2025-05-29. Review status: criteria provided, single submitter. Criteria: ACMG Guidelines, 2015. Collection method: clinical testing. Allele origin: germline.
Comment: The SETX c.6535A>G variant is predicted to result in the amino acid substitution p.Ile2179Val. To our knowledge, this variant has not been reported in the literature or in a large population database (gnomAD), indicating this variant is rare. Alternate missense changes at the same amino acid position (p.Ile2179Ser, p.Ile2179Thr) have been reported in an individual with ataxia with oculomotor apraxia type 2 and in an individual with early onset cerebellar ataxia (Fogel et al. 2014. PubMed ID: 24760770, Fogel et al. 2014. PubMed ID: 25133958). At this time, the clinical significance of this variant is uncertain due to the absence of conclusive functional and genetic evidence.

Labcorp Genetics (formerly Invitae), Labcorp
Classification: Uncertain significance for Amyotrophic lateral sclerosis type 4; Spinocerebellar ataxia, autosomal recessive, with axonal neuropathy 2. Last evaluated: 2024-03-11. Review status: criteria provided, single submitter. Criteria: Invitae Variant Classification Sherloc (09022015). Collection method: clinical testing. Allele origin: germline.
Comment: This sequence change replaces isoleucine, which is neutral and non-polar, with valine, which is neutral and non-polar, at codon 2179 of the SETX protein (p.Ile2179Val). This variant is not present in population databases (gnomAD no frequency). This variant has not been reported in the literature in individuals affected with SETX-related conditions. Advanced modeling of protein sequence and biophysical properties (such as structural, functional, and spatial information, amino acid conservation, physicochemical variation, residue mobility, and thermodynamic stability) performed at Invitae indicates that this missense variant is not expected to disrupt SETX protein function with a negative predictive value of 95%. In summary, the available evidence is currently insufficient to determine the role of this variant in disease. Therefore, it has been classified as a Variant of Uncertain Significance.

NM_015046.7(SETX):c.6535A>G (p.Ile2179Val)

Gene: SETX (senataxin; minus strand). Cytogenetic location: 9q34.13.
Variant type: single nucleotide variant.
Coding change: c.6535A>G on transcript NM_015046.7 (MANE Select); coding-DNA position 6535, A replaced by G.
Protein change: p.Ile2179Val; replaces isoleucine 2179 with valine.
Molecular consequence: missense variant.
Genome position (GRCh38, 1-based): chr9:132,283,275, T>C on the plus strand (A>G on the coding strand, the complement: SETX is on the minus strand). VCF-style: chr9-132283275-T-C. GRCh37 (hg19) VCF-style: chr9-135158662-T-C.
Other names: c.6535A>G, p.Ile2179Val (NM_001351527.2, NM_001351528.2); short protein forms I2179V.
Identifiers: ClinVar variation 3751041 (VCV003751041.3).
Genomic context (GRCh38, chr9:132,283,275, plus strand): 5'-TTACTCCTCATAGTAGTAGTCAAAGTTGTATGGCTGACCGTTCACTGACCTCATCAACAA[T>C]GACACAGCTGAAGGGGACACCCCCTTGCCCACGGAAAGCAGACTCAAGTAGTAAACCACC-3'
Protein context (NP_055861.3, residues 2169-2189): GQGGVPFSCV[Ile2179Val]VDEAGQSCEI